The following is an entry in ClinVar:

ClinVar aggregate classification (germline): Uncertain significance (1 of 4 stars; one submission).

Submission:

Labcorp Genetics (formerly Invitae), Labcorp
Classification: Uncertain significance. Last evaluated: 2025-08-04. Review status: criteria provided, single submitter. Criteria: Invitae Variant Classification Sherloc (09022015). Collection method: clinical testing. Allele origin: germline.
Comment: This sequence change replaces leucine, which is neutral and non-polar, with isoleucine, which is neutral and non-polar, at codon 635 of the SETBP1 protein (p.Leu635Ile). This variant is not present in population databases (gnomAD no frequency). This variant has not been reported in the literature in individuals affected with SETBP1-related conditions. ClinVar contains an entry for this variant (Variation ID: 2012869). Invitae Evidence Modeling of protein sequence and biophysical properties (such as structural, functional, and spatial information, amino acid conservation, physicochemical variation, residue mobility, and thermodynamic stability) indicates that this missense variant is not expected to disrupt SETBP1 protein function with a negative predictive value of 80%. In summary, the available evidence is currently insufficient to determine the role of this variant in disease. Therefore, it has been classified as a Variant of Uncertain Significance.

NM_015559.3(SETBP1):c.1903C>A (p.Leu635Ile)

Gene: SETBP1 (SET binding protein 1; plus strand). Cytogenetic location: 18q12.3.
Variant type: single nucleotide variant.
Coding change: c.1903C>A on transcript NM_015559.3 (MANE Select); coding-DNA position 1903, C replaced by A.
Protein change: p.Leu635Ile; replaces leucine 635 with isoleucine.
Molecular consequence: missense variant.
Genome position (GRCh38, 1-based): chr18:44,951,243, C>A. VCF-style: chr18-44951243-C-A. GRCh37 (hg19) VCF-style: chr18-42531208-C-A.
Other names: c.1903C>A, p.Leu635Ile (NM_001379141.1, NM_001379142.1, NM_001410862.1); short protein forms L635I.
Identifiers: ClinVar variation 2012869 (VCV002012869.4), dbSNP rs2511469652, ClinGen allele CA402319860.